The following is an entry in ClinVar:

NM_000352.6(ABCC8):c.2391-5G>A

Genes: ABCC8 (ATP binding cassette subfamily C member 8; minus strand), LOC110121471 (VISTA enhancer hs1977; plus strand). Cytogenetic location: 11p15.1.
Variant type: single nucleotide variant.
Coding change: c.2391-5G>A on transcript NM_000352.6 (MANE Select); 5 bases into the intron before coding-DNA position 2391, G replaced by A.
Molecular consequence: intron variant.
Genome position (GRCh38, 1-based): chr11:17,413,483, C>T on the plus strand (G>A on the coding strand, the complement: ABCC8 is on the minus strand). VCF-style: chr11-17413483-C-T. GRCh37 (hg19) VCF-style: chr11-17435030-C-T.
Other names: c.2388-5G>A (NM_001351297.2); c.2391-5G>A (NM_001351296.2); c.2457-5G>A (NM_001351295.2); c.2394-5G>A (NM_001287174.3).
Identifiers: ClinVar variation 990403 (VCV000990403.10), dbSNP rs370096884, ClinGen allele CA5903149.
Genomic context (GRCh38, chr11:17,413,483, plus strand): 5'-GGGGCAGGATGTCGATGTCTGGCTGCAGAGAGCAGGCTTCAATGACCATCTTGTACCTGG[C>T]GTGGGTAGAGGCAGGGGATGCAGCTGGTCAGCCTGGTCAGAGTTGGCCCGAGCACTTGCA-3'

ClinVar aggregate classification (germline): Conflicting classifications of pathogenicity. Review status: criteria provided, conflicting classifications (1 of 4 stars). 4 submissions from 3 submitters: Uncertain significance (2); Likely benign (1). 1 of the submissions does not count toward it. Last evaluated 2026-01-17.

Conditions:
Maturity-onset diabetes of the young (MODY). Also called: Maturity onset diabetes mellitus in young. Identifiers: Orphanet 552, MedGen C0342276, MONDO:0018911, HP:0004904.
Hereditary hyperinsulinism.
Transitory neonatal diabetes mellitus. Also called: Transient neonatal diabetes mellitus. Identifiers: MedGen C0342273, MONDO:0020525, HP:0008255.

Allele frequency attached by ClinVar (database versions not stated): gnomAD 0.00001 and 0.00003; TOPMed 0.00003; ESP Exome Variant Server 0.00008.
gnomAD v4.1: 111 of 1,613,666 alleles (0.0069%); highest among the groups gnomAD compares: Middle Eastern, 0.053%; no homozygotes.

Submissions (4):

Labcorp Genetics (formerly Invitae), Labcorp
Classification: Likely benign. Last evaluated: 2026-01-17. Review status: criteria provided, single submitter. Criteria: Invitae Variant Classification Sherloc (09022015). Collection method: clinical testing. Allele origin: germline.

Clinical Genomics, Uppaluri K&H Personalized Medicine Clinic
Classification: Uncertain significance for Transitory neonatal diabetes mellitus. Review status: criteria provided, single submitter. Criteria: K & H Uppaluri Personalized Medicine Clinic Variant Classification & Assertion Criteria_Updated V.1. Collection method: research. Allele origin: unknown. Inheritance: Somatic mutation.
Comment: Mutations in ABCC8 gene are associated with both neonatal diabetes mellitus as well as MODY. Patients with this mutation may have a better response to sulfonylureas. However, no sufficient evidence is found to ascertain the role of this particular variant (rs370096884) in neonatal diabetes yet.

Clinical Genomics, Uppaluri K&H Personalized Medicine Clinic
Classification: Uncertain significance for Maturity-onset diabetes of the young. Review status: criteria provided, single submitter. Criteria: K & H Uppaluri Personalized Medicine Clinic Variant Classification & Assertion Criteria_Updated V.1. Collection method: research. Allele origin: unknown. Inheritance: Somatic mutation.
Comment: Mutations in ABCC8 gene are associated with both neonatal diabetes mellitus as well as MODY. Patients with this mutation may have a better response to sulfonylureas. However, no sufficient evidence is found to ascertain the role of this particular variant (rs370096884) in MODY yet.

Natera, Inc.
Classification: Uncertain significance for Hereditary hyperinsulinism. Last evaluated: 2020-04-10. Review status: no assertion criteria provided. Collection method: clinical testing. Allele origin: germline. Not counted in ClinVar's aggregate classification.

Literature cited by the submitters: PubMed 16885549 (cited by Clinical Genomics, Uppaluri K&H Personalized Medicine Clinic); PubMed 21989597 (cited by Clinical Genomics, Uppaluri K&H Personalized Medicine Clinic); PubMed 27538677 (cited by Clinical Genomics, Uppaluri K&H Personalized Medicine Clinic); PubMed 18981553 (cited by Clinical Genomics, Uppaluri K&H Personalized Medicine Clinic); PubMed 32027066 (cited by Clinical Genomics, Uppaluri K&H Personalized Medicine Clinic); PubMed 16613899 (cited by Clinical Genomics, Uppaluri K&H Personalized Medicine Clinic); PubMed 18025408 (cited by Clinical Genomics, Uppaluri K&H Personalized Medicine Clinic); PubMed 32792356 (cited by Clinical Genomics, Uppaluri K&H Personalized Medicine Clinic).